The following is an entry in ClinVar:

NM_001145809.2(MYH14):c.4058C>T (p.Ala1353Val)

Gene: MYH14 (myosin heavy chain 14; plus strand). Cytogenetic location: 19q13.33.
Variant type: single nucleotide variant.
Coding change: c.4058C>T on transcript NM_001145809.2 (MANE Select); coding-DNA position 4058, C replaced by T.
Protein change: p.Ala1353Val; replaces alanine 1353 with valine.
Molecular consequence: missense variant.
Genome position (GRCh38, 1-based): chr19:50,280,062, C>T. VCF-style: chr19-50280062-C-T. GRCh37 (hg19) VCF-style: chr19-50783319-C-T.
Other names: c.4058C>T (NM_001145809.1); c.3959C>T, p.Ala1320Val (NM_001077186.2); c.3935C>T, p.Ala1312Val (NM_024729.4); short protein forms A1312V, A1320V, A1353V.
Identifiers: ClinVar variation 1187572 (VCV001187572.6), dbSNP rs561525083, ClinGen allele CA9593415.

ClinVar aggregate classification (germline): Conflicting classifications of pathogenicity. Review status: criteria provided, conflicting classifications (1 of 4 stars). 4 submissions from 4 submitters: Uncertain significance (2); Likely benign (2). Last evaluated 2026-07-02.

Conditions:
MYH14-related disorder. Also called: MYH14-related condition.

Allele frequency attached by ClinVar (database versions not stated): gnomAD exomes 0.00003 and 0.00005; ExAC 0.00004; gnomAD 0.00004 and 0.00005; TOPMed 0.00004; 1000 Genomes Project 30x 0.00031; 1000 Genomes Project 0.00040.
gnomAD v4.1: 47 of 1,610,144 alleles (0.0029%); highest among the groups gnomAD compares: East Asian, 0.049%; no homozygotes.

Submissions (4):

PreventionGenetics, part of Exact Sciences
Classification: Likely benign for MYH14-related condition. Last evaluated: 2026-07-02. Review status: criteria provided, single submitter. Criteria: ACMG Guidelines, 2015. Collection method: clinical testing. Allele origin: germline.
Comment: This variant is classified as likely benign based on ACMG/AMP sequence variant interpretation guidelines (Richards et al. 2015 PMID: 25741868, with internal and published modifications).

Labcorp Genetics (formerly Invitae), Labcorp
Classification: Uncertain significance. Last evaluated: 2024-08-29. Review status: criteria provided, single submitter. Criteria: Invitae Variant Classification Sherloc (09022015). Collection method: clinical testing. Allele origin: germline.
Comment: This sequence change replaces alanine, which is neutral and non-polar, with valine, which is neutral and non-polar, at codon 1312 of the MYH14 protein (p.Ala1312Val). This variant is present in population databases (rs561525083, gnomAD 0.06%), and has an allele count higher than expected for a pathogenic variant. This variant has not been reported in the literature in individuals affected with MYH14-related conditions. ClinVar contains an entry for this variant (Variation ID: 1187572). Invitae Evidence Modeling of protein sequence and biophysical properties (such as structural, functional, and spatial information, amino acid conservation, physicochemical variation, residue mobility, and thermodynamic stability) indicates that this missense variant is not expected to disrupt MYH14 protein function with a negative predictive value of 80%. In summary, the available evidence is currently insufficient to determine the role of this variant in disease. Therefore, it has been classified as a Variant of Uncertain Significance.

Blueprint Genetics
Classification: Likely benign. Last evaluated: 2022-03-22. Review status: criteria provided, single submitter. Criteria: ACMG Guidelines, 2015. Collection method: clinical testing. Allele origin: germline.

GeneDx
Classification: Uncertain significance. Last evaluated: 2019-07-23. Review status: criteria provided, single submitter. Criteria: GeneDx Variant Classification Process June 2021. Collection method: clinical testing. Allele origin: germline. Affected: yes.
Comment: In silico analysis, which includes protein predictors and evolutionary conservation, supports that this variant does not alter protein structure/function; Has not been previously published as pathogenic or benign to our knowledge